The following is an entry in ClinVar:

ClinVar aggregate classification (germline): Benign. Review status: criteria provided, multiple submitters, no conflicts (2 of 4 stars). 7 submissions from 7 submitters: Benign (5). 2 of the submissions do not count toward it. Last evaluated 2025-04-09.

Allele frequency attached by ClinVar (database versions not stated): ESP Exome Variant Server 0.97255; 1000 Genomes Project 30x 0.97267; TOPMed 0.97301; gnomAD 0.97441 and 0.97611; 1000 Genomes Project 0.97504; ExAC 0.99260; gnomAD exomes 0.99419 and 0.99770.
gnomAD v4.1: 1,605,964 of 1,613,152 alleles (100%); highest among the groups gnomAD compares: East Asian, 100%; 799,682 homozygotes.

Submissions (7):

Molecular Diagnostic Laboratory for Inherited Cardiovascular Disease, Montreal Heart Institute
Classification: Benign. Last evaluated: 2025-04-09. Review status: criteria provided, single submitter. Criteria: ACMG Guidelines, 2015. Collection method: clinical testing. Allele origin: germline. Affected: no.

Blueprint Genetics
Classification: Benign. Last evaluated: 2024-11-26. Review status: criteria provided, single submitter. Criteria: ACMG Guidelines, 2015. Collection method: clinical testing. Allele origin: germline.

GeneDx
Classification: Benign. Last evaluated: 2014-01-21. Review status: criteria provided, single submitter. Criteria: GeneDx Variant Classification (06012015). Collection method: clinical testing. Allele origin: germline. Affected: yes.
Comment: This variant is considered likely benign or benign based on one or more of the following criteria: it is a conservative change, it occurs at a poorly conserved position in the protein, it is predicted to be benign by multiple in silico algorithms, and/or has population frequency not consistent with disease.

Laboratory for Molecular Medicine, Mass General Brigham Personalized Medicine
Classification: Benign. Last evaluated: 2011-09-16. Review status: criteria provided, single submitter. Criteria: LMM Criteria. Collection method: clinical testing. Allele origin: germline. Observed: 1,626 variant alleles.

Breakthrough Genomics
Classification: Benign. Review status: criteria provided, single submitter. Criteria: ACMG Guidelines, 2015. Collection method: not provided. Allele origin: germline. Inheritance: Autosomal recessive inheritance. Affected: yes.

Clinical Genetics, Academic Medical Center
Classification: Benign. Review status: no assertion criteria provided. Collection method: clinical testing. Allele origin: germline. Affected: yes. Study: VKGL Data-share Consensus. Not counted in ClinVar's aggregate classification.

Diagnostic Laboratory, Department of Genetics, University Medical Center Groningen
Classification: Benign. Review status: no assertion criteria provided. Collection method: clinical testing. Allele origin: germline. Affected: yes. Study: VKGL Data-share Consensus. Not counted in ClinVar's aggregate classification.

NM_133379.5(TTN):c.12175T>C (p.Leu4059=)

Gene: TTN (titin; minus strand). Cytogenetic location: 2q31.2.
Variant type: single nucleotide variant.
Coding change: c.12175T>C on transcript NM_133379.5; coding-DNA position 12175, T replaced by C.
Protein change: p.Leu4059=; no amino-acid change (leucine 4059 retained).
Molecular consequence: synonymous variant. On other transcripts: intron variant (6).
Genome position (GRCh38, 1-based): chr2:178,750,225, A>G on the plus strand (T>C on the coding strand, the complement: TTN is on the minus strand). VCF-style: chr2-178750225-A-G. GRCh37 (hg19) VCF-style: chr2-179614952-A-G.
Other names: p.L4059L:TTA>CTA; c.10222+2899T>C (NM_003319.4); c.10798+2899T>C (NM_133437.4); c.10360+2899T>C (NM_133378.4, NM_001256850.1); c.11311+2899T>C (NM_001267550.2); c.12175T>C (NM_133379.4); c.10597+2899T>C (NM_133432.3).
Identifiers: ClinVar variation 47743 (VCV000047743.11), dbSNP rs10803917, ClinGen allele CA284446.